The following is an entry in ClinVar:

ClinVar aggregate classification (germline): Uncertain significance. Review status: criteria provided, multiple submitters, no conflicts (2 of 4 stars). 3 submissions from 3 submitters: Uncertain significance (3). Last evaluated 2024-03-25.

Conditions:
Neonatal diabetes mellitus with congenital hypothyroidism. Also called: NDH SYNDROME. Identifiers: Orphanet 79118, MedGen C1857775, MONDO:0012436, OMIM 610199.

Allele frequency attached by ClinVar (database versions not stated): gnomAD 0.00003 and 0.00004; gnomAD exomes 0.00003 and 0.00004; ExAC 0.00004; TOPMed 0.00004.
gnomAD v4.1: 60 of 1,613,930 alleles (0.0037%); highest among the groups gnomAD compares: Middle Eastern, 0.33%; 1 homozygote.

Submissions (3):

Fulgent Genetics
Classification: Uncertain significance for Neonatal diabetes mellitus with congenital hypothyroidism. Last evaluated: 2024-03-25. Review status: criteria provided, single submitter. Criteria: ACMG Guidelines, 2015. Collection method: clinical testing. Allele origin: germline.

Labcorp Genetics (formerly Invitae), Labcorp
Classification: Uncertain significance. Last evaluated: 2021-08-13. Review status: criteria provided, single submitter. Criteria: Invitae Variant Classification Sherloc (09022015). Collection method: clinical testing. Allele origin: germline.
Comment: This sequence change replaces glutamine with arginine at codon 598 of the GLIS3 protein (p.Gln598Arg). The glutamine residue is highly conserved and there is a small physicochemical difference between glutamine and arginine. This variant is present in population databases (rs750346762, ExAC 0.006%). This variant has not been reported in the literature in individuals affected with GLIS3-related conditions. Algorithms developed to predict the effect of missense changes on protein structure and function are either unavailable or do not agree on the potential impact of this missense change (SIFT: "Tolerated"; PolyPhen-2: "Possibly Damaging"; Align-GVGD: "Class C0"). In summary, the available evidence is currently insufficient to determine the role of this variant in disease. Therefore, it has been classified as a Variant of Uncertain Significance.

Breakthrough Genomics
Classification: Uncertain significance. Review status: criteria provided, single submitter. Criteria: ACMG Guidelines, 2015. Collection method: not provided. Allele origin: germline. Inheritance: Autosomal recessive inheritance. Affected: yes.

NM_001042413.2(GLIS3):c.2258A>G (p.Gln753Arg)

Gene: GLIS3 (GLIS family zinc finger 3; minus strand). Cytogenetic location: 9p24.2.
Variant type: single nucleotide variant.
Coding change: c.2258A>G on transcript NM_001042413.2 (MANE Select); coding-DNA position 2258, A replaced by G.
Protein change: p.Gln753Arg; replaces glutamine 753 with arginine.
Molecular consequence: missense variant.
Genome position (GRCh38, 1-based): chr9:3,879,466, T>C on the plus strand (A>G on the coding strand, the complement: GLIS3 is on the minus strand). VCF-style: chr9-3879466-T-C. GRCh37 (hg19) VCF-style: chr9-3879466-T-C.
Other names: c.1793A>G, p.Gln598Arg (NM_152629.4); short protein forms Q753R, Q598R.
Identifiers: ClinVar variation 1376314 (VCV001376314.7), dbSNP rs750346762, ClinGen allele CA4967868.